The following is an entry in ClinVar:

NM_000310.4(PPT1):c.114G>T (p.Trp38Cys)

Gene: PPT1 (palmitoyl-protein thioesterase 1; minus strand). Cytogenetic location: 1p34.2.
Variant type: single nucleotide variant.
Coding change: c.114G>T on transcript NM_000310.4 (MANE Select); coding-DNA position 114, G replaced by T.
Protein change: p.Trp38Cys; replaces tryptophan 38 with cysteine.
Molecular consequence: missense variant.
Genome position (GRCh38, 1-based): chr1:40,097,125, C>A on the plus strand (G>T on the coding strand, the complement: PPT1 is on the minus strand). VCF-style: chr1-40097125-C-A. GRCh37 (hg19) VCF-style: chr1-40562797-C-A.
Other names: c.114G>T, p.Trp38Cys (NM_001142604.2, NM_001363695.2); short protein forms W38C.
Identifiers: ClinVar variation 56144 (VCV000056144.4), dbSNP rs386833626, ClinGen allele CA263461.

ClinVar aggregate classification (germline): Conflicting classifications of pathogenicity. Review status: criteria provided, conflicting classifications (1 of 4 stars). 3 submissions from 3 submitters: Likely pathogenic (1); Uncertain significance (1). 1 of the submissions does not count toward it. Last evaluated 2025-06-27.

Conditions:
Neuronal ceroid lipofuscinosis 1 (CLN1). Also called: CEROID LIPOFUSCINOSIS, NEURONAL, 1, VARIABLE AGE AT ONSET; PPT1-Related Neuronal Ceroid-Lipofuscinosis. Identifiers: Orphanet 228329, MedGen C1850451, MONDO:0009744, OMIM 256730.

Submissions (3):

Women's Health and Genetics/Laboratory Corporation of America, LabCorp
Classification: Uncertain significance. Last evaluated: 2025-06-27. Review status: criteria provided, single submitter. Criteria: LabCorp Variant Classification Summary - May 2015. Collection method: clinical testing. Allele origin: germline.
Comment: Variant summary: PPT1 c.114G>T (p.Trp38Cys) results in a non-conservative amino acid change in the encoded protein sequence. Algorithms developed to predict the effect of missense changes on protein structure and function all suggest that this variant is likely to be disruptive. The variant was absent in 250788 control chromosomes (gnomAD). The available data on variant occurrences in the general population are insufficient to allow any conclusion about variant significance. c.114G>T has been observed in one individual affected with Neuronal Ceroid-Lipofuscinosis (Batten Disease) (Kousi_2009). The report does not provide unequivocal conclusions about association of the variant with Neuronal Ceroid-Lipofuscinosis (Batten Disease). To our knowledge, no experimental evidence demonstrating an impact on protein function has been reported. The following publications have been ascertained in the context of this evaluation (PMID: 19201763, 36088080). ClinVar contains an entry for this variant (Variation ID: 56144). Based on the evidence outlined above, the variant was classified as uncertain significance.

Baylor Genetics
Classification: Likely pathogenic for Neuronal ceroid lipofuscinosis 1. Last evaluated: 2023-09-16. Review status: criteria provided, single submitter. Criteria: ACMG Guidelines, 2015. Collection method: clinical testing. Allele origin: unknown.

Juha Muilu Group; Institute for Molecular Medicine Finland (FIMM)
Classification: Likely pathogenic for Ceroid lipofuscinosis neuronal 1. Review status: no assertion criteria provided. Collection method: not provided. Allele origin: unknown. Not counted in ClinVar's aggregate classification.
Comment: FinDis database variant: This variant was not found or characterized by our laboratory, data were collected from public sources: see reference
ClinVar note: Converted during submission from probable-pathogenic to Likely pathogenic.

Literature cited by the submitters: PubMed 19201763 (cited by Women's Health and Genetics/Laboratory Corporation of America, LabCorp); PubMed 36088080 (cited by Women's Health and Genetics/Laboratory Corporation of America, LabCorp).